The following is an entry in ClinVar:

ClinVar aggregate classification (germline): Uncertain significance. Review status: criteria provided, multiple submitters, no conflicts (2 of 4 stars). 2 submissions from 2 submitters: Uncertain significance (2). Last evaluated 2024-06-13.

Conditions:
Dilated cardiomyopathy 1AA (CMD1AA). Also called: CARDIOMYOPATHY, DILATED, 1AA, WITH OR WITHOUT LEFT VENTRICULAR NONCOMPACTION; CARDIOMYOPATHY, FAMILIAL HYPERTROPHIC, 23, WITH OR WITHOUT LEFT VENTRICULAR NONCOMPACTION; Cardiomyopathy, dilated, 1AA, with or without LVNC. Identifiers: Orphanet 154, MedGen C2677338, MONDO:0012808, OMIM 612158.
Primary familial hypertrophic cardiomyopathy (HCM). Identifiers: Orphanet 99739, MedGen C0949658, MeSH D024741, MONDO:0024573. Inheritance: Various modes of inheritance.

Allele frequency attached by ClinVar (database versions not stated): gnomAD exomes below 0.00001; TOPMed 0.00001.
gnomAD v4.1: 3 of 1,614,218 alleles (0.00019%); highest among the groups gnomAD compares: East Asian, 0.0045%; no homozygotes.

Submissions (2):

Revvity Omics, Revvity
Classification: Uncertain significance. Last evaluated: 2024-06-13. Review status: criteria provided, single submitter. Criteria: ACMG Guidelines, 2015. Collection method: clinical testing. Allele origin: germline.

Labcorp Genetics (formerly Invitae), Labcorp
Classification: Uncertain significance for Primary familial hypertrophic cardiomyopathy; Dilated cardiomyopathy 1AA. Last evaluated: 2022-03-23. Review status: criteria provided, single submitter. Criteria: Invitae Variant Classification Sherloc (09022015). Collection method: clinical testing. Allele origin: germline.
Comment: This sequence change replaces aspartic acid, which is acidic and polar, with glutamic acid, which is acidic and polar, at codon 698 of the ACTN2 protein (p.Asp698Glu). This variant is not present in population databases (gnomAD no frequency). This variant has not been reported in the literature in individuals affected with ACTN2-related conditions. ClinVar contains an entry for this variant (Variation ID: 1009911). Advanced modeling of protein sequence and biophysical properties (such as structural, functional, and spatial information, amino acid conservation, physicochemical variation, residue mobility, and thermodynamic stability) performed at Invitae indicates that this missense variant is not expected to disrupt ACTN2 protein function. In summary, the available evidence is currently insufficient to determine the role of this variant in disease. Therefore, it has been classified as a Variant of Uncertain Significance.

NM_001103.4(ACTN2):c.2094C>A (p.Asp698Glu)

Gene: ACTN2 (actinin alpha 2; plus strand). Cytogenetic location: 1q43.
Variant type: single nucleotide variant.
Coding change: c.2094C>A on transcript NM_001103.4 (MANE Select); coding-DNA position 2094, C replaced by A.
Protein change: p.Asp698Glu; replaces aspartic acid 698 with glutamic acid.
Molecular consequence: missense variant.
Genome position (GRCh38, 1-based): chr1:236,755,138, C>A. VCF-style: chr1-236755138-C-A. GRCh37 (hg19) VCF-style: chr1-236918438-C-A.
Other names: c.2094C>A, p.Asp698Glu (NM_001278343.2); c.1470C>A, p.Asp490Glu (NM_001278344.2); c.2094C>A (NM_001103.3); short protein forms D490E, D698E.
Identifiers: ClinVar variation 1009911 (VCV001009911.9), dbSNP rs1302931594, ClinGen allele CA345387650.
Genomic context (GRCh38, chr1:236,755,138, plus strand): 5'-GAAGCAGTATGAGCACAACATCATCAACTATAAGAACAACATCGACAAGCTGGAGGGAGA[C>A]CATCAGCTCATCCAGGAGGCCCTTGTCTTTGACAACAAGCACACGAACTACACGATGGAG-3'
Protein context (NP_001094.1, residues 688-708): YKNNIDKLEG[Asp698Glu]HQLIQEALVF